The following is an entry in ClinVar:

ClinVar aggregate classification (germline): Uncertain significance. Review status: criteria provided, multiple submitters, no conflicts (2 of 4 stars). 5 submissions from 5 submitters: Uncertain significance (4). 1 of the submissions does not count toward it. Last evaluated 2025-12-10.

Conditions:
Atypical hemolytic-uremic syndrome. Identifiers: Orphanet 2134, MedGen C2931788, MONDO:0016244.
Inborn genetic diseases. Identifiers: MedGen C0950123, MeSH D030342.
Complement component 3 deficiency. Identifiers: Orphanet 280133, MedGen C3151071, MONDO:0013417, OMIM 613779.
Atypical hemolytic-uremic syndrome with C3 anomaly. Also called: AHUS, SUSCEPTIBILITY TO, 5. Identifiers: Orphanet 2134, MedGen C2752037, MONDO:0013043, OMIM 612925.
Age related macular degeneration 9. Identifiers: MedGen C1969651, MONDO:0012659, OMIM 611378.

Allele frequency attached by ClinVar (database versions not stated): gnomAD 0.00001; gnomAD exomes 0.00001; TOPMed 0.00001; ExAC 0.00002; 1000 Genomes Project 30x 0.00016; 1000 Genomes Project 0.00020.
gnomAD v4.1: 21 of 1,611,524 alleles (0.0013%); highest among the groups gnomAD compares: Middle Eastern, 0.017%; no homozygotes.

Submissions (5):

Labcorp Genetics (formerly Invitae), Labcorp
Classification: Uncertain significance. Last evaluated: 2025-12-10. Review status: criteria provided, single submitter. Criteria: Invitae Variant Classification Sherloc (09022015). Collection method: clinical testing. Allele origin: germline.
Comment: This sequence change replaces lysine, which is basic and polar, with glutamine, which is neutral and polar, at codon 1450 of the C3 protein (p.Lys1450Gln). This variant is present in population databases (rs191489530, gnomAD 0.003%). This variant has not been reported in the literature in individuals affected with C3-related conditions. ClinVar contains an entry for this variant (Variation ID: 988195). An algorithm developed to predict the effect of missense changes on protein structure and function (PolyPhen-2) suggests that this variant is likely to be disruptive. In summary, the available evidence is currently insufficient to determine the role of this variant in disease. Therefore, it has been classified as a Variant of Uncertain Significance.

Ambry Genetics
Classification: Uncertain significance for Inborn genetic diseases. Last evaluated: 2025-06-07. Review status: criteria provided, single submitter. Criteria: Ambry Variant Classification Scheme 2023. Collection method: clinical testing. Allele origin: germline.

Blueprint Genetics
Classification: Uncertain significance. Last evaluated: 2022-07-14. Review status: criteria provided, single submitter. Criteria: ACMG Guidelines, 2015. Collection method: clinical testing. Allele origin: germline.

Fulgent Genetics
Classification: Uncertain significance for Age related macular degeneration 9; Atypical hemolytic-uremic syndrome with C3 anomaly; Complement component 3 deficiency. Last evaluated: 2022-03-02. Review status: criteria provided, single submitter. Criteria: ACMG Guidelines, 2015. Collection method: clinical testing. Allele origin: unknown.

Sydney Genome Diagnostics, Children's Hospital Westmead
Classification: Uncertain significance for Atypical hemolytic-uremic syndrome. Last evaluated: 2019-05-08. Review status: no assertion criteria provided. Collection method: clinical testing. Allele origin: unknown. Affected: yes. Observed: 1 variant allele, 1 heterozygote. Not counted in ClinVar's aggregate classification.
Comment: This variant is listed in the gnomAD browser with a very low allele frequency of 0.001% (3 out of 282,864 alleles). To our knowledge, this variant has not been previously reported in the literature or any disease specific databases to be a disease causing variant. In silico analysis of pathogenicity (through Alamut Visual v2.8.1) is inconclusive regarding this variant, PolyPhen2 and MutationTaster predicts it to be likely pathogenic whereas SIFT predicts it to be likely benign. This variant is considered to be a variant of uncertain clinical significance (VOUS) according to the ACMG guidelines (Evidence used: PM2)

NM_000064.4(C3):c.4348A>C (p.Lys1450Gln)

Gene: C3 (complement C3; minus strand). Cytogenetic location: 19p13.3.
Variant type: single nucleotide variant.
Coding change: c.4348A>C on transcript NM_000064.4 (MANE Select); coding-DNA position 4348, A replaced by C.
Protein change: p.Lys1450Gln; replaces lysine 1450 with glutamine.
Molecular consequence: missense variant.
Genome position (GRCh38, 1-based): chr19:6,681,943, T>G on the plus strand (A>C on the coding strand, the complement: C3 is on the minus strand). VCF-style: chr19-6681943-T-G. GRCh37 (hg19) VCF-style: chr19-6681954-T-G.
Other names: c.4348A>C (NM_000064.2); short protein forms K1450Q.
Identifiers: ClinVar variation 988195 (VCV000988195.7), dbSNP rs191489530, ClinGen allele CA9128430.